The following is an entry in ClinVar:

NM_000490.5(AVP):c.286G>T (p.Gly96Cys)

Gene: AVP (arginine vasopressin; minus strand). Cytogenetic location: 20p13.
Variant type: single nucleotide variant.
Coding change: c.286G>T on transcript NM_000490.5 (MANE Select); coding-DNA position 286, G replaced by T.
Protein change: p.Gly96Cys; replaces glycine 96 with cysteine.
Molecular consequence: missense variant.
Genome position (GRCh38, 1-based): chr20:3,083,013, C>A on the plus strand (G>T on the coding strand, the complement: AVP is on the minus strand). VCF-style: chr20-3083013-C-A. GRCh37 (hg19) VCF-style: chr20-3063659-C-A.
Other names: short protein forms G96C.
Identifiers: ClinVar variation 3723687 (VCV003723687.2).

ClinVar aggregate classification (germline): Pathogenic (1 of 4 stars; one submission).

Submission:

Labcorp Genetics (formerly Invitae), Labcorp
Classification: Pathogenic. Last evaluated: 2024-05-02. Review status: criteria provided, single submitter. Criteria: Invitae Variant Classification Sherloc (09022015). Collection method: clinical testing. Allele origin: germline.
Comment: This sequence change replaces glycine, which is neutral and non-polar, with cysteine, which is neutral and slightly polar, at codon 96 of the AVP protein (p.Gly96Cys). This variant is not present in population databases (gnomAD no frequency). This missense change has been observed in individuals with familial neurohypophyseal diabetes insipidus (PMID: 8554046, 14673472, 25654069). It has also been observed to segregate with disease in related individuals. This variant is also known as 1883G>T. An algorithm developed to predict the effect of missense changes on protein structure and function (PolyPhen-2) suggests that this variant is likely to be disruptive. This variant disrupts the p.Gly96 amino acid residue in AVP. Other variant(s) that disrupt this residue have been determined to be pathogenic (PMID: 8626836, 8706292, 31238300). This suggests that this residue is clinically significant, and that variants that disrupt this residue are likely to be disease-causing. For these reasons, this variant has been classified as Pathogenic.

Literature cited by the submitters: PubMed 8554046; PubMed 14673472; PubMed 25654069; PubMed 8626836; PubMed 8706292; PubMed 31238300.